The following is an entry in ClinVar:

NM_001127644.2(GABRA1):c.187+5G>A

Gene: GABRA1 (gamma-aminobutyric acid type A receptor subunit alpha1; plus strand). Cytogenetic location: 5q34.
Variant type: single nucleotide variant.
Coding change: c.187+5G>A on transcript NM_001127644.2 (MANE Select); 5 bases into the intron after coding-DNA position 187, G replaced by A.
Molecular consequence: intron variant.
Genome position (GRCh38, 1-based): chr5:161,854,275, G>A. VCF-style: chr5-161854275-G-A. GRCh37 (hg19) VCF-style: chr5-161281281-G-A.
Other names: c.187+5G>A (NM_000806.5, NM_001127643.2, NM_001127645.2 and 1 more transcripts).
Identifiers: ClinVar variation 205530 (VCV000205530.2), dbSNP rs368360804, ClinGen allele CA314690.
Genomic context (GRCh38, chr5:161,854,275, plus strand): 5'-GATTTTGGACAGACTCCTAGATGGTTATGACAATCGCCTGAGACCAGGATTGGGAGGTAG[G>A]TTGCATTATTGTATTTTTGTTTTAGAGAATAATATGAGATCTTTACTATCACAGCCTTAA-3'

ClinVar aggregate classification (germline): Uncertain significance (1 of 4 stars; one submission).

Allele frequency attached by ClinVar (database versions not stated): TOPMed 0.00001 and 0.00002.
gnomAD v4.1: 9 of 1,457,856 alleles (0.00062%); highest among the groups gnomAD compares: East Asian, 0.0023%; no homozygotes.

Submission:

GeneDx
Classification: Uncertain significance. Last evaluated: 2013-09-20. Review status: criteria provided, single submitter. Criteria: GeneDx Variant Classification (06012015). Collection method: clinical testing. Allele origin: germline. Affected: yes.
Comment: c.187+5 G>A: IVS4+5 G>A in intron 4 of the GABRA1 gene (NM_000806.5). The c.187+5 G>A nucleotide substitution has not been published as a mutation, nor has it been reported as a benign polymorphism to our knowledge. The NHLBI ESP Exome Variant Project did not identify c.187+5 G>A in approximately 6000 individuals of European or African American ethnicity, indicating that it is not a common benign variant in these populations. Multiple in silico models predict that the c.187+5 G>A substitution may damage the natural splice donor site in intron 4, possibly leading to abnormal splicing. However, splice site mutations have not been published in the GABRA1 gene in association with epilepsy, and in the absence of RNA/functional studies the actual effect of the c.187+5 G>A sequence change is unknown. The variant is found in CHILD-EPI panel(s).